The following is an entry in ClinVar:

ClinVar aggregate classification (germline): Uncertain significance. Review status: criteria provided, multiple submitters, no conflicts (2 of 4 stars). 2 submissions from 2 submitters: Uncertain significance (2). Last evaluated 2025-01-06.

Conditions:
Familial thoracic aortic aneurysm and aortic dissection (TAAD). Also called: Thoracic aortic aneurysms and dissections. Identifiers: Orphanet 91387, MedGen C4707243, MONDO:0019625.
Aortic aneurysm, familial thoracic 7 (AAT7). Also called: AORTIC DISSECTION, FAMILIAL, WITH OR WITHOUT AORTIC ANEURYSM. Identifiers: MedGen C3151077, MONDO:0013418, OMIM 613780.

Allele frequency attached by ClinVar (database versions not stated): gnomAD exomes 0.00001; ExAC 0.00002.
gnomAD v4.1: 19 of 1,608,208 alleles (0.0012%); highest among the groups gnomAD compares: South Asian, 0.02%; no homozygotes.

Submissions (2):

Ambry Genetics
Classification: Uncertain significance for Familial thoracic aortic aneurysm and aortic dissection. Last evaluated: 2025-01-06. Review status: criteria provided, single submitter. Criteria: Ambry Variant Classification Scheme 2023. Collection method: clinical testing. Allele origin: germline.
Comment: The p.E1001A variant (also known as c.3002A>C), located in coding exon 15 of the MYLK gene, results from an A to C substitution at nucleotide position 3002. The glutamic acid at codon 1001 is replaced by alanine, an amino acid with dissimilar properties. This amino acid position is conserved. In addition, this alteration is predicted to be tolerated by in silico analysis. Based on the available evidence, the clinical significance of this variant remains unclear.

Labcorp Genetics (formerly Invitae), Labcorp
Classification: Uncertain significance for Aortic aneurysm, familial thoracic 7. Last evaluated: 2024-01-31. Review status: criteria provided, single submitter. Criteria: Invitae Variant Classification Sherloc (09022015). Collection method: clinical testing. Allele origin: germline.
Comment: This sequence change replaces glutamic acid, which is acidic and polar, with alanine, which is neutral and non-polar, at codon 1001 of the MYLK protein (p.Glu1001Ala). This variant is present in population databases (rs770254072, gnomAD 0.01%). This variant has not been reported in the literature in individuals affected with MYLK-related conditions. Advanced modeling of protein sequence and biophysical properties (such as structural, functional, and spatial information, amino acid conservation, physicochemical variation, residue mobility, and thermodynamic stability) performed at Invitae indicates that this missense variant is not expected to disrupt MYLK protein function with a negative predictive value of 80%. In summary, the available evidence is currently insufficient to determine the role of this variant in disease. Therefore, it has been classified as a Variant of Uncertain Significance.

NM_053025.4(MYLK):c.3002A>C (p.Glu1001Ala)

Gene: MYLK (myosin light chain kinase; minus strand). Cytogenetic location: 3q21.1.
Variant type: single nucleotide variant.
Coding change: c.3002A>C on transcript NM_053025.4 (MANE Select); coding-DNA position 3002, A replaced by C.
Protein change: p.Glu1001Ala; replaces glutamic acid 1001 with alanine.
Molecular consequence: missense variant.
Genome position (GRCh38, 1-based): chr3:123,700,466, T>G on the plus strand (A>C on the coding strand, the complement: MYLK is on the minus strand). VCF-style: chr3-123700466-T-G. GRCh37 (hg19) VCF-style: chr3-123419313-T-G.
Other names: c.2474A>C, p.Glu825Ala (NM_001321309.2); c.2795A>C, p.Glu932Ala (NM_053026.4, NM_053028.4); c.3002A>C, p.Glu1001Ala (NM_053027.4); c.3002A>C (NM_053025.3); short protein forms E1001A, E932A, E825A.
Identifiers: ClinVar variation 2913843 (VCV002913843.2), dbSNP rs770254072, ClinGen allele CA069247.